The following is an entry in ClinVar:

NM_003413.4(ZIC3):c.727_740del (p.Met243fs)

Gene: ZIC3 (Zic family zinc finger 3; plus strand). Cytogenetic location: Xq26.3.
Variant type: Deletion.
Coding change: c.727_740del on transcript NM_003413.4 (MANE Select); coding-DNA positions 727 to 740, 14 bases deleted (ATGCGGCAGCCTAT).
Protein change: p.Met243fs; shifts the reading frame from methionine 243.
Molecular consequence: frameshift variant.
Genome position (GRCh38, 1-based): chrX:137,567,418-137,567,431, ATGCGGCAGCCTAT deleted; deleting any 14 consecutive bases within chrX:137,567,415-137,567,431 gives the same sequence; the c. name uses the placement nearest the transcript's 3' end. VCF-style (leftmost placement, unchanged base first): chrX-137567414-TTATATGCGGCAGCC-T. GRCh37 (hg19) VCF-style: chrX-136649573-TTATATGCGGCAGCC-T.
Other names: c.727_740del, p.Met243fs (NM_001330661.1); short protein forms M243fs.
Identifiers: ClinVar variation 2118751 (VCV002118751.4), dbSNP rs2521150121, ClinGen allele CA2580101581.

ClinVar aggregate classification (germline): Pathogenic (1 of 4 stars; one submission).

Conditions:
Heterotaxy, visceral, 1, X-linked (HTX1). Also called: DEXTROCARDIA WITH OTHER CARDIAC MALFORMATIONS; Laterality, X-linked; Visceral heterotaxia; SITUS INVERSUS, COMPLEX CARDIAC DEFECTS, AND SPLENIC DEFECTS, X-LINKED. Identifiers: Orphanet 450, MedGen C1844020, MONDO:0010607, OMIM 306955.

Submission:

Labcorp Genetics (formerly Invitae), Labcorp
Classification: Pathogenic for Heterotaxy, visceral, 1, X-linked. Last evaluated: 2022-08-07. Review status: criteria provided, single submitter. Criteria: Invitae Variant Classification Sherloc (09022015). Collection method: clinical testing. Allele origin: germline.
Comment: This sequence change creates a premature translational stop signal (p.Met243Glnfs*30) in the ZIC3 gene. It is expected to result in an absent or disrupted protein product. Loss-of-function variants in ZIC3 are known to be pathogenic (PMID: 24123890). This variant is not present in population databases (gnomAD no frequency). This variant has not been reported in the literature in individuals affected with ZIC3-related conditions. For these reasons, this variant has been classified as Pathogenic.

Literature cited by the submitters: PubMed 24123890.